The following is an entry in ClinVar:

NM_144997.7(FLCN):c.1222C>T (p.Gln408Ter)

Gene: FLCN (folliculin; minus strand). Cytogenetic location: 17p11.2.
Variant type: single nucleotide variant.
Coding change: c.1222C>T on transcript NM_144997.7 (MANE Select); coding-DNA position 1222, C replaced by T.
Protein change: p.Gln408Ter; replaces glutamine 408 with a stop codon.
Molecular consequence: nonsense.
Genome position (GRCh38, 1-based): chr17:17,216,458, G>A on the plus strand (C>T on the coding strand, the complement: FLCN is on the minus strand). VCF-style: chr17-17216458-G-A. GRCh37 (hg19) VCF-style: chr17-17119772-G-A.
Other names: c.1222C>T (NM_144997.5); c.1276C>T, p.Gln426Ter (NM_001353229.2); c.1222C>T, p.Gln408Ter (NM_001353230.2, NM_001353231.2); short protein forms Q408*, Q426*.
Identifiers: ClinVar variation 1457134 (VCV001457134.8), dbSNP rs2144858986, ClinGen allele CA398531858.
Genomic context (GRCh38, chr17:17,216,458, plus strand): 5'-GGGGGATCTGCACGTGCGGGCTGAGCCCCAGGAAGTTGCACCGATAGGCCTCCTCGTACT[G>A]GCTGCTGTATGGGATGATGCGGACGCAGCCCACGGGAAGCATGGTCTGAGGAGGACAGCA-3'

ClinVar aggregate classification (germline): Pathogenic. Review status: criteria provided, multiple submitters, no conflicts (2 of 4 stars). 3 submissions from 3 submitters: Pathogenic (3). Last evaluated 2026-05-15.

Conditions:
Birt-Hogg-Dube syndrome 1 (BHD1). Also called: FIBROFOLLICULOMAS WITH TRICHODISCOMAS AND ACROCHORDONS. Identifiers: Orphanet 122, MedGen CN375946, MONDO:0800445, OMIM 135150.
Hereditary cancer-predisposing syndrome. Also called: Tumor predisposition; Neoplastic Syndromes, Hereditary; Hereditary Cancer Syndrome; Hereditary neoplastic syndrome. Identifiers: Orphanet 140162, MedGen C0027672, MeSH D009386, MONDO:0015356.
Birt-Hogg-Dube syndrome. Also called: Birt Hogg Dubé syndrome. Identifiers: Orphanet 122, MedGen C0346010, MONDO:0800444.

Submissions (3):

Ambry Genetics
Classification: Pathogenic for Hereditary cancer-predisposing syndrome. Last evaluated: 2026-05-15. Review status: criteria provided, single submitter. Criteria: Ambry Variant Classification Scheme 2023. Collection method: clinical testing. Allele origin: germline.
Comment: The p.Q408* pathogenic mutation (also known as c.1222C>T), located in coding exon 8 of the FLCN gene, results from a C to T substitution at nucleotide position 1222. This changes the amino acid from a glutamine to a stop codon within coding exon 8. This variant was reported in individual(s) with features consistent with Birt-Hogg-Dube syndrome (Huang S et al. BMC Med Genomics, 2026 Jan;19:32). This variant is considered to be rare based on population cohorts in the Genome Aggregation Database (gnomAD). This alteration is expected to result in loss of function by premature protein truncation or nonsense-mediated mRNA decay. As such, this alteration is interpreted as a disease-causing mutation.

Department of Pulmonary and Critical Care Medicine, The Affiliated Cangnan Hospital of Wenzhou Medical University
Classification: Pathogenic for Birt-Hogg-Dube syndrome 1. Last evaluated: 2021-11-02. Review status: criteria provided, single submitter. Criteria: ACMG Guidelines, 2015. Collection method: clinical testing. Allele origin: germline. Inheritance: Autosomal dominant inheritance. Affected: yes. Observed: 1 heterozygote.
Comment: We investigated a Chinese family with suspected BHDS. Comprehensive clinical evaluations and imaging studies were performed. Whole-exome sequencing (WES) was conducted to identify potential variants in the FLCN gene. Candidate variants were subsequently validated by Sanger sequencing and analyzed for co-segregation within the family. Pathogenicity was assessed using multiple bioinformatic prediction tools in accordance with the American College of Medical Genetics and Genomics (ACMG) guidelines.Whole-exome sequencing identified a novel heterozygous nonsense mutation in exon 11 of FLCN, c.1222C>T (p.Gln408Ter), which has not been previously reported.For these reasons, this variant has been classified as Pathogenic. This variant has not been reported in the literature in individuals affected with FLCN-related conditions. This variant is not present in population databases (gnomAD no frequency). This sequence change creates a premature translational stop signal (p.Gln408*) in the FLCN gene. It is expected to result in an absent or disrupted protein product. Loss-of-function variants in FLCN are known to be pathogenic (PMID: 15852235).

Labcorp Genetics (formerly Invitae), Labcorp
Classification: Pathogenic for Birt-Hogg-Dube syndrome. Last evaluated: 2021-11-02. Review status: criteria provided, single submitter. Criteria: Invitae Variant Classification Sherloc (09022015). Collection method: clinical testing. Allele origin: germline.
Comment: For these reasons, this variant has been classified as Pathogenic. This variant has not been reported in the literature in individuals affected with FLCN-related conditions. This variant is not present in population databases (gnomAD no frequency). This sequence change creates a premature translational stop signal (p.Gln408*) in the FLCN gene. It is expected to result in an absent or disrupted protein product. Loss-of-function variants in FLCN are known to be pathogenic (PMID: 15852235).

Literature cited by the submitters: PubMed 41549261 (cited by Ambry Genetics); PubMed 15852235 (cited by Department of Pulmonary and Critical Care Medicine, The Affiliated Cangnan Hospital of Wenzhou Medical University and Labcorp Genetics (formerly Invitae), Labcorp).